The following is an entry in ClinVar:

NM_002739.5(PRKCG):c.419G>A (p.Arg140Gln)

Gene: PRKCG (protein kinase C gamma; plus strand). Cytogenetic location: 19q13.42.
Variant type: single nucleotide variant.
Coding change: c.419G>A on transcript NM_002739.5 (MANE Select); coding-DNA position 419, G replaced by A.
Protein change: p.Arg140Gln; replaces arginine 140 with glutamine.
Molecular consequence: missense variant.
Genome position (GRCh38, 1-based): chr19:53,889,907, G>A. VCF-style: chr19-53889907-G-A. GRCh37 (hg19) VCF-style: chr19-54393161-G-A.
Other names: c.419G>A (NM_002739.3); c.419G>A, p.Arg140Gln (NM_001316329.2); short protein forms R140Q.
Identifiers: ClinVar variation 1027510 (VCV001027510.4), dbSNP rs770016586, ClinGen allele CA9640292.

ClinVar aggregate classification (germline): Conflicting classifications of pathogenicity. Review status: criteria provided, conflicting classifications (1 of 4 stars). 4 submissions from 4 submitters: Likely pathogenic (1); Uncertain significance (3). Last evaluated 2024-01-22.

Conditions:
Spinocerebellar ataxia type 14 (SCA14). Identifiers: Orphanet 98763, MedGen C1854369, MONDO:0011540, OMIM 605361.

Allele frequency attached by ClinVar (database versions not stated): TOPMed 0.00001; gnomAD 0.00002 and 0.00003; gnomAD exomes 0.00002; ExAC 0.00010.

Submissions (4):

Athena Diagnostics
Classification: Uncertain significance. Last evaluated: 2024-01-22. Review status: criteria provided, single submitter. Criteria: Athena Diagnostics Criteria. Collection method: clinical testing. Allele origin: unknown.
Comment: Available data are insufficient to determine the clinical significance of the variant at this time. The frequency of this variant in the general population is uninformative in assessment of its pathogenicity. This variant has been identified in at least one individual with clinical features associated with this gene. Computational tools predict that this variant is not damaging. The variant is located in a region that is considered important for protein function and/or structure.

Department of Pathology and Laboratory Medicine, Sinai Health System
Classification: Uncertain significance for Spinocerebellar ataxia type 14. Last evaluated: 2023-01-10. Review status: criteria provided, single submitter. Criteria: ACMG Guidelines, 2015. Collection method: research. Allele origin: germline.

Molecular Medicine for Neurodegenerative and Neuromuscular Diseases Unit, IRCCS Fondazione Stella Maris
Classification: Likely pathogenic for Spinocerebellar ataxia type 14. Last evaluated: 2021-07-12. Review status: criteria provided, single submitter. Criteria: ACMG Guidelines, 2015. Collection method: research. Allele origin: unknown. Affected: yes.

Blueprint Genetics
Classification: Uncertain significance. Last evaluated: 2019-11-01. Review status: criteria provided, single submitter. Criteria: ACMG Guidelines, 2015. Collection method: clinical testing. Allele origin: germline.

Literature cited by the submitters: PubMed 34292398 (cited by Athena Diagnostics).